The following is an entry in ClinVar:

NM_025099.6(CTC1):c.3496T>A (p.Ser1166Thr)

Gene: CTC1 (CST telomere replication complex component 1; minus strand). Cytogenetic location: 17p13.1.
Variant type: single nucleotide variant.
Coding change: c.3496T>A on transcript NM_025099.6 (MANE Select); coding-DNA position 3496, T replaced by A.
Protein change: p.Ser1166Thr; replaces serine 1166 with threonine.
Molecular consequence: missense variant. On other transcripts: non-coding transcript variant (1).
Genome position (GRCh38, 1-based): chr17:8,228,521, A>T on the plus strand (T>A on the coding strand, the complement: CTC1 is on the minus strand). VCF-style: chr17-8228521-A-T. GRCh37 (hg19) VCF-style: chr17-8131839-A-T.
Other names: c.3265T>A, p.Ser1089Thr (NM_001411067.1); short protein forms S1089T, S1166T.
Identifiers: ClinVar variation 2118844 (VCV002118844.4), dbSNP rs2507861938, ClinGen allele CA397968206.
Genomic context (GRCh38, chr17:8,228,521, plus strand): 5'-ATGATCCCCCTATCATCATGATCCCCCCGTCTCCAACCTTACCTAATGGGACGATCTTCG[A>T]CGGTTTCCTTTCCAGCTCAAAAGAAAGCACAATAGGACGGAGGACAGAGGGGCTAGTACA-3'
Protein context (NP_079375.3, residues 1156-1176): VLSFELERKP[Ser1166Thr]KIVPLEPPRL

ClinVar aggregate classification (germline): Uncertain significance (1 of 4 stars; one submission).

Conditions:
Dyskeratosis congenita. Identifiers: Orphanet 1775, MedGen C0265965, MONDO:0015780.

Submission:

Labcorp Genetics (formerly Invitae), Labcorp
Classification: Uncertain significance for Dyskeratosis congenita. Last evaluated: 2022-03-28. Review status: criteria provided, single submitter. Criteria: Invitae Variant Classification Sherloc (09022015). Collection method: clinical testing. Allele origin: germline.
Comment: This sequence change replaces serine, which is neutral and polar, with threonine, which is neutral and polar, at codon 1166 of the CTC1 protein (p.Ser1166Thr). This variant is not present in population databases (gnomAD no frequency). This variant has not been reported in the literature in individuals affected with CTC1-related conditions. Algorithms developed to predict the effect of missense changes on protein structure and function output the following: SIFT: "Tolerated"; PolyPhen-2: "Benign"; Align-GVGD: "Class C0". The threonine amino acid residue is found in multiple mammalian species, which suggests that this missense change does not adversely affect protein function. In summary, the available evidence is currently insufficient to determine the role of this variant in disease. Therefore, it has been classified as a Variant of Uncertain Significance.